The following is an entry in ClinVar:

NM_006086.4(TUBB3):c.229C>T (p.Arg77Cys)

Gene: TUBB3 (tubulin beta 3 class III; plus strand). Cytogenetic location: 16q24.3.
Variant type: single nucleotide variant.
Coding change: c.229C>T on transcript NM_006086.4 (MANE Select); coding-DNA position 229, C replaced by T.
Protein change: p.Arg77Cys; replaces arginine 77 with cysteine.
Molecular consequence: missense variant.
Genome position (GRCh38, 1-based): chr16:89,933,530, C>T. VCF-style: chr16-89933530-C-T. GRCh37 (hg19) VCF-style: chr16-89999938-C-T.
Other names: NM_001197181.2:c.13C>T; c.13C>T, p.Arg5Cys (NM_001197181.2); short protein forms R5C, R77C.
Identifiers: ClinVar variation 3061833 (VCV003061833.1), dbSNP rs2030345139, ClinGen allele CA397471310.

ClinVar aggregate classification (germline): Uncertain significance (1 of 4 stars; one submission).

Conditions:
Fibrosis of extraocular muscles, congenital, 3A, with or without extraocular involvement. Also called: FEOM3 LOCUS; CONGENITAL FIBROSIS OF EXTRAOCULAR MUSCLES 3A. Identifiers: MedGen C2748801, MONDO:0010912, OMIM 600638.

Allele frequency attached by ClinVar (database versions not stated): TOPMed below 0.00001.

Submission:

Broad Center for Mendelian Genomics, Broad Institute of MIT and Harvard
Classification: Uncertain significance for Fibrosis of extraocular muscles, congenital, 3A, with or without extraocular involvement. Last evaluated: 2024-03-12. Review status: criteria provided, single submitter. Criteria: ACMG Guidelines, 2015. Collection method: curation. Allele origin: germline. Inheritance: Autosomal dominant inheritance.
Comment: The p.Arg77Cys variant in TUBB3 has not been previously reported in individuals with congenital fibrosis of extraocular muscles. This variant was absent from large population studies. The number of missense variants reported in TUBB3 in the general population is lower than expected, suggesting there is little benign variation in this gene and slightly increasing the possibility that a missense variant in this gene may not be tolerated. Computational prediction tools and conservation analyses do not provide strong support for or against an impact to the protein. In summary, the clinical significance of the p.Arg77Cys variant is uncertain. ACMG/AMP Criteria applied: PP2, PM2_supporting (Richards 2015).

Literature cited by the submitters: PubMed 39033378.